The following is an entry in ClinVar:

NM_001204.7(BMPR2):c.2598G>C (p.Glu866Asp)

Gene: BMPR2 (bone morphogenetic protein receptor type 2; plus strand). Cytogenetic location: 2q33.2.
Variant type: single nucleotide variant.
Coding change: c.2598G>C on transcript NM_001204.7 (MANE Select); coding-DNA position 2598, G replaced by C.
Protein change: p.Glu866Asp; replaces glutamic acid 866 with aspartic acid.
Molecular consequence: missense variant.
Genome position (GRCh38, 1-based): chr2:202,556,263, G>C. VCF-style: chr2-202556263-G-C. GRCh37 (hg19) VCF-style: chr2-203420986-G-C.
Other names: short protein forms E866D.
Identifiers: ClinVar variation 3481346 (VCV003481346.1).

ClinVar aggregate classification (germline): Uncertain significance (1 of 4 stars; one submission).

Conditions:
Inborn genetic diseases. Identifiers: MedGen C0950123, MeSH D030342.

Submission:

Ambry Genetics
Classification: Uncertain significance for Inborn genetic diseases. Last evaluated: 2024-12-07. Review status: criteria provided, single submitter. Criteria: Ambry Variant Classification Scheme 2023. Collection method: clinical testing. Allele origin: germline.
Comment: The p.E866D variant (also known as c.2598G>C), located in coding exon 12 of the BMPR2 gene, results from a G to C substitution at nucleotide position 2598. The glutamic acid at codon 866 is replaced by aspartic acid, an amino acid with highly similar properties. This amino acid position is conserved. In addition, the in silico prediction for this alteration is inconclusive. Based on the available evidence, the clinical significance of this variant remains unclear.